The following is an entry in ClinVar:

ClinVar aggregate classification (germline): Uncertain significance (1 of 4 stars; one submission).

Submission:

Labcorp Genetics (formerly Invitae), Labcorp
Classification: Uncertain significance. Last evaluated: 2022-03-10. Review status: criteria provided, single submitter. Criteria: Invitae Variant Classification Sherloc (09022015). Collection method: clinical testing. Allele origin: germline.
Comment: This sequence change replaces valine, which is neutral and non-polar, with phenylalanine, which is neutral and non-polar, at codon 560 of the CARMIL2 protein (p.Val560Phe). This variant is not present in population databases (gnomAD no frequency). This variant has not been reported in the literature in individuals affected with CARMIL2-related conditions. Algorithms developed to predict the effect of missense changes on protein structure and function are either unavailable or do not agree on the potential impact of this missense change (SIFT: "Tolerated"; PolyPhen-2: "Possibly Damaging"; Align-GVGD: "Class C0"). In summary, the available evidence is currently insufficient to determine the role of this variant in disease. Therefore, it has been classified as a Variant of Uncertain Significance.

NM_001013838.3(CARMIL2):c.1678G>T (p.Val560Phe)

Gene: CARMIL2 (capping protein regulator and myosin 1 linker 2; plus strand). Cytogenetic location: 16q22.1.
Variant type: single nucleotide variant.
Coding change: c.1678G>T on transcript NM_001013838.3 (MANE Select); coding-DNA position 1678, G replaced by T.
Protein change: p.Val560Phe; replaces valine 560 with phenylalanine.
Molecular consequence: missense variant.
Genome position (GRCh38, 1-based): chr16:67,649,162, G>T. VCF-style: chr16-67649162-G-T. GRCh37 (hg19) VCF-style: chr16-67683065-G-T.
Other names: c.1570G>T, p.Val524Phe (NM_001317026.3); short protein forms V524F, V560F.
Identifiers: ClinVar variation 1934005 (VCV001934005.5), dbSNP rs764121523, ClinGen allele CA396337279.